The following is an entry in ClinVar:

NM_000094.4(COL7A1):c.3809C>T (p.Pro1270Leu)

Gene: COL7A1 (collagen type VII alpha 1 chain; minus strand). Cytogenetic location: 3p21.31.
Variant type: single nucleotide variant.
Coding change: c.3809C>T on transcript NM_000094.4 (MANE Select); coding-DNA position 3809, C replaced by T.
Protein change: p.Pro1270Leu; replaces proline 1270 with leucine.
Molecular consequence: missense variant.
Genome position (GRCh38, 1-based): chr3:48,585,712, G>A on the plus strand (C>T on the coding strand, the complement: COL7A1 is on the minus strand). VCF-style: chr3-48585712-G-A. GRCh37 (hg19) VCF-style: chr3-48623145-G-A.
Other names: short protein forms P1270L.
Identifiers: ClinVar variation 757455 (VCV000757455.17), dbSNP rs145068043, ClinGen allele CA2380388.
Genomic context (GRCh38, chr3:48,585,712, plus strand): 5'-CCAGTCAGGGTGCAGGGACAGATGTGGGGGACACTCACCGGGAGGCCAGGGTCGCCAGGA[G>A]GCCCAACTTGTCCTCTCAGGCCCTAGGAAGGGTAATCAGTGAGACCTGTGCTGCCAACCT-3'
Protein context (NP_000085.1, residues 1260-1280): GEMGLRGQVG[Pro1270Leu]PGDPGLPGRT

ClinVar aggregate classification (germline): Conflicting classifications of pathogenicity. Review status: criteria provided, conflicting classifications (1 of 4 stars). 6 submissions from 6 submitters: Uncertain significance (2); Likely benign (2). 2 of the submissions do not count toward it. Last evaluated 2026-02-04.

Conditions:
Epidermolysis bullosa dystrophica. Also called: Dystrophic epidermolysis bullosa, Hallopeau-Siemens type (formerly); Dystrophic epidermolysis bullosa. Identifiers: Orphanet 303, MedGen C0079294, MONDO:0006543.
Epidermolysis bullosa dystrophica inversa, autosomal recessive. Identifiers: MedGen C2673612.
COL7A1-related disorder. Also called: COL7A1-related condition; COL7A1- related disorders.

Allele frequency attached by ClinVar (database versions not stated): ESP Exome Variant Server 0.00015; gnomAD 0.00020 and 0.00032; gnomAD exomes 0.00074 and 0.00038; ExAC 0.00081; 1000 Genomes Project 30x 0.00125; TOPMed 0.00027; 1000 Genomes Project 0.00160.
gnomAD v4.1: 613 of 1,614,026 alleles (0.038%); highest among the groups gnomAD compares: East Asian, 0.44%; 4 homozygotes.

Submissions (6):

Labcorp Genetics (formerly Invitae), Labcorp
Classification: Likely benign. Last evaluated: 2026-02-04. Review status: criteria provided, single submitter. Criteria: Invitae Variant Classification Sherloc (09022015). Collection method: clinical testing. Allele origin: germline.

Women's Health and Genetics/Laboratory Corporation of America, LabCorp
Classification: Likely benign. Last evaluated: 2024-11-26. Review status: criteria provided, single submitter. Criteria: LabCorp Variant Classification Summary - May 2015. Collection method: clinical testing. Allele origin: germline.
Comment: Variant summary: COL7A1 c.3809C>T (p.Pro1270Leu) results in a non-conservative amino acid change in the encoded protein sequence. Three of five in-silico tools predict a damaging effect of the variant on protein function. The variant allele was found at a frequency of 0.00038 in 1614026 control chromosomes, predominantly at a frequency of 0.0044 within the East Asian subpopulation in the gnomAD database, including 1 homozygotes. The observed variant frequency within East Asian control individuals in the gnomAD database exceeds the estimated maximal expected allele frequency for a pathogenic variant in COL7A1 causing Dystrophic Epidermolysis Bullosa, Recessive phenotype. c.3809C>T has been reported in the literature in individuals affected with Dystrophic Epidermolysis Bullosa, Recessive (Breitenbach_2015, Savostyanov_2022), and one case was reported as compound heterozygous with a (likely) pathogenic variant. These data do not allow any conclusion about variant significance. To our knowledge, no experimental evidence demonstrating an impact on protein function has been reported. The following publications have been ascertained in the context of this evaluation (PMID: 26612796, 36430820). ClinVar contains an entry for this variant (Variation ID: 757455). Based on the evidence outlined above, the variant was classified as likely benign.

Biomedical Innovation Departament, CIEMAT
Classification: Uncertain significance for Dystrophic epidermolysis bullosa. Last evaluated: 2024-05-13. Review status: criteria provided, single submitter. Criteria: ACMG Guidelines, 2015. Collection method: research. Allele origin: germline. Affected: yes. Observed: 1 variant allele.

GeneDx
Classification: Uncertain significance. Last evaluated: 2022-09-16. Review status: criteria provided, single submitter. Criteria: GeneDx Variant Classification Process June 2021. Collection method: clinical testing. Allele origin: germline. Affected: yes.
Comment: In silico analysis supports that this missense variant does not alter protein structure/function; Occurs in the triple helical domain at the X position in the canonical Gly-X-Y repeat. Although this variant may have an effect on normal protein folding and function, missense substitution at the X position is not a common mechanism of disease.; Has not been previously published as pathogenic or benign to our knowledge

PreventionGenetics, part of Exact Sciences
Classification: Likely benign for COL7A1-related condition. Last evaluated: 2022-11-14. Review status: no assertion criteria provided. Collection method: clinical testing. Allele origin: germline. Not counted in ClinVar's aggregate classification.
Comment: This variant is classified as likely benign based on ACMG/AMP sequence variant interpretation guidelines (Richards et al. 2015 PMID: 25741868, with internal and published modifications).

Natera, Inc.
Classification: Likely benign for Autosomal recessive epidermolysis bullosa dystrophica inversa. Last evaluated: 2020-01-04. Review status: no assertion criteria provided. Collection method: clinical testing. Allele origin: germline. Not counted in ClinVar's aggregate classification.

Literature cited by the submitters: PubMed 26612796 (cited by Women's Health and Genetics/Laboratory Corporation of America, LabCorp); PubMed 36430820 (cited by Women's Health and Genetics/Laboratory Corporation of America, LabCorp).